The following is an entry in ClinVar:

ClinVar aggregate classification (germline): Pathogenic (1 of 4 stars; one submission).

Conditions:
Familial focal epilepsy with variable foci (FPEVF). Identifiers: Orphanet 98820, MedGen C1858477, MONDO:0020310.

Submission:

Labcorp Genetics (formerly Invitae), Labcorp
Classification: Pathogenic for Familial focal epilepsy with variable foci. Last evaluated: 2022-06-01. Review status: criteria provided, single submitter. Criteria: Invitae Variant Classification Sherloc (09022015). Collection method: clinical testing. Allele origin: germline.
Comment: This sequence change creates a premature translational stop signal (p.Tyr1258*) in the DEPDC5 gene. It is expected to result in an absent or disrupted protein product. Loss-of-function variants in DEPDC5 are known to be pathogenic (PMID: 23542697, 23542701). This variant is not present in population databases (gnomAD no frequency). This variant has not been reported in the literature in individuals affected with DEPDC5-related conditions. For these reasons, this variant has been classified as Pathogenic.

Literature cited by the submitters: PubMed 23542697; PubMed 23542701.

NM_001242896.3(DEPDC5):c.3774C>G (p.Tyr1258Ter)

Gene: DEPDC5 (DEP domain containing 5, GATOR1 subcomplex subunit; plus strand). Cytogenetic location: 22q12.3.
Variant type: single nucleotide variant.
Coding change: c.3774C>G on transcript NM_001242896.3 (MANE Select); coding-DNA position 3774, C replaced by G.
Protein change: p.Tyr1258Ter; replaces tyrosine 1258 with a stop codon.
Molecular consequence: nonsense. On other transcripts: non-coding transcript variant (2).
Genome position (GRCh38, 1-based): chr22:31,876,234, C>G. VCF-style: chr22-31876234-C-G. GRCh37 (hg19) VCF-style: chr22-32272220-C-G.
Other names: c.3747C>G, p.Tyr1249Ter (NM_001136029.4); c.3474C>G, p.Tyr1158Ter (NM_001242897.2); c.3708C>G, p.Tyr1236Ter (NM_001363852.2, NM_001364320.2); c.3540C>G, p.Tyr1180Ter (NM_001363854.2, NM_001364319.2); c.3774C>G, p.Tyr1258Ter (NM_001364318.2); c.3690C>G, p.Tyr1230Ter (NM_001369901.1, NM_001369902.1); c.3681C>G, p.Tyr1227Ter (NM_001369903.1, NM_014662.6); short protein forms Y1227*, Y1230*, Y1249*, Y1180*, Y1236*, Y1258*, Y1158*.
Identifiers: ClinVar variation 2000281 (VCV002000281.4), dbSNP rs2522510658, ClinGen allele CA411279656.